The following is an entry in ClinVar:

ClinVar aggregate classification (germline): Uncertain significance (1 of 4 stars; one submission).

Conditions:
Inborn genetic diseases. Identifiers: MedGen C0950123, MeSH D030342.

Allele frequency attached by ClinVar (database versions not stated): TOPMed 0.00002.
gnomAD v4.1: 1 of 1,614,106 alleles (0.000062%); highest among the groups gnomAD compares: African/African-American, 0.0013%; no homozygotes.

Submission:

Ambry Genetics
Classification: Uncertain significance for Inborn genetic diseases. Last evaluated: 2025-08-02. Review status: criteria provided, single submitter. Criteria: Ambry Variant Classification Scheme 2023. Collection method: clinical testing. Allele origin: germline.
Comment: The p.N301I variant (also known as c.902A>T), located in coding exon 6 of the MECOM gene, results from an A to T substitution at nucleotide position 902. The asparagine at codon 301 is replaced by isoleucine, an amino acid with dissimilar properties. This amino acid position is conserved. In addition, this alteration is predicted to be tolerated by in silico analysis. Based on the available evidence, the clinical significance of this variant remains unclear.

NM_004991.4(MECOM):c.902A>T (p.Asn301Ile)

Gene: MECOM (MDS1 and EVI1 complex locus; minus strand). Cytogenetic location: 3q26.2.
Variant type: single nucleotide variant.
Coding change: c.902A>T on transcript NM_004991.4 (MANE Select); coding-DNA position 902, A replaced by T.
Protein change: p.Asn301Ile; replaces asparagine 301 with isoleucine.
Molecular consequence: missense variant.
Genome position (GRCh38, 1-based): chr3:169,122,656, T>A on the plus strand (A>T on the coding strand, the complement: MECOM is on the minus strand). VCF-style: chr3-169122656-T-A. GRCh37 (hg19) VCF-style: chr3-168840444-T-A.
Other names: c.530A>T, p.Asn177Ile (NM_001105077.4); c.338A>T, p.Asn113Ile (NM_001105078.4, NM_001163999.2, NM_001164000.2 and 9 more transcripts); c.902A>T, p.Asn301Ile (NM_001366466.2, NM_001366473.2); short protein forms N113I, N177I, N301I.
Identifiers: ClinVar variation 2594532 (VCV002594532.3), dbSNP rs1427543297, ClinGen allele CA355067381.
Genomic context (GRCh38, chr3:169,122,656, plus strand): 5'-CATTCATAGTGCTTTCCACTGTCATGTGACATCTGGTGGCGAATTAAATTGGACTTCCAG[T>A]TAAATGCCTTGGGACACTGATCACACTTGTATTCCCTCTCTTCAGTATGTGACAGCATGT-3'
Protein context (NP_004982.2, residues 291-311): YKCDQCPKAF[Asn301Ile]WKSNLIRHQM